The following is an entry in ClinVar:

NM_152564.5(VPS13B):c.3516A>G (p.Thr1172=)

Gene: VPS13B (vacuolar protein sorting 13 homolog B; plus strand). Cytogenetic location: 8q22.2.
Variant type: single nucleotide variant.
Coding change: c.3516A>G on transcript NM_152564.5 (MANE Select); coding-DNA position 3516, A replaced by G.
Protein change: p.Thr1172=; no amino-acid change (threonine 1172 retained).
Molecular consequence: synonymous variant.
Genome position (GRCh38, 1-based): chr8:99,467,484, A>G. VCF-style: chr8-99467484-A-G. GRCh37 (hg19) VCF-style: chr8-100479712-A-G.
Other names: p.Thr1172=; c.3516A>G (NM_152564.4); c.3516A>G, p.Thr1172= (NM_017890.5).
Identifiers: ClinVar variation 195833 (VCV000195833.61), dbSNP rs118158347, ClinGen allele CA208898.
Genomic context (GRCh38, chr8:99,467,484, plus strand): 5'-TCCTTGGACGATCAGCTTGCATAATTTCAGCATATATACCCTTCTTGGAAAACAAGTGAC[A>G]CTTTGCCTAGTGGAACCTATGGGTTGCACCTCCACTCTAGCTGTCACGTCTCAAAAACTG-3'
Protein context (NP_689777.3, residues 1162-1182): SIYTLLGKQV[Thr1172=]LCLVEPMGCT

ClinVar aggregate classification (germline): Conflicting classifications of pathogenicity. Review status: criteria provided, conflicting classifications (1 of 4 stars). 15 submissions from 15 submitters: Uncertain significance (2); Likely benign (8). 5 of the submissions do not count toward it. Last evaluated 2026-01-28.

Conditions:
VPS13B-related disorder. Also called: VPS13B-related condition.
Inborn genetic diseases. Identifiers: MedGen C0950123, MeSH D030342.
Cohen syndrome (COH1). Also called: Cutis verticis gyrata, retinitis pigmentosa, and sensorineural deafness; PEPPER SYNDROME. Identifiers: Orphanet 193, MedGen C0265223, MONDO:0008999, OMIM 216550.

Allele frequency attached by ClinVar (database versions not stated): 1000 Genomes Project 0.00040; 1000 Genomes Project 30x 0.00062; ExAC 0.00077; gnomAD exomes 0.00088; gnomAD 0.00104 and 0.00106; TOPMed 0.00115; ESP Exome Variant Server 0.00208.
gnomAD v4.1: 2,709 of 1,613,748 alleles (0.17%); highest among the groups gnomAD compares: Non-Finnish European, 0.22%; 4 homozygotes.

Submissions (15):

Labcorp Genetics (formerly Invitae), Labcorp
Classification: Likely benign for Cohen syndrome. Last evaluated: 2026-01-28. Review status: criteria provided, single submitter. Criteria: Invitae Variant Classification Sherloc (09022015). Collection method: clinical testing. Allele origin: germline.

Women's Health and Genetics/Laboratory Corporation of America, LabCorp
Classification: Likely benign. Last evaluated: 2026-01-23. Review status: criteria provided, single submitter. Criteria: LabCorp Variant Classification Summary - May 2015. Collection method: clinical testing. Allele origin: germline.

CeGaT Center for Human Genetics Tuebingen
Classification: Likely benign. Last evaluated: 2025-12-01. Review status: criteria provided, single submitter. Criteria: CeGaT Center For Human Genetics Tuebingen Variant Classification Criteria Version 2. Collection method: clinical testing. Allele origin: germline. Affected: yes. Observed: 10 variant alleles.
Comment: VPS13B: BP4, BP7

Blueprint Genetics
Classification: Likely benign. Last evaluated: 2024-11-26. Review status: criteria provided, single submitter. Criteria: ACMG Guidelines, 2015. Collection method: clinical testing. Allele origin: germline.

Mayo Clinic Laboratories, Mayo Clinic
Classification: Likely benign. Last evaluated: 2024-11-20. Review status: criteria provided, single submitter. Criteria: ACMG Guidelines, 2015. Collection method: clinical testing. Allele origin: germline. Observed: 2 variant alleles.
Comment: BP4, BP7

GeneDx
Classification: Likely benign. Last evaluated: 2019-12-30. Review status: criteria provided, single submitter. Criteria: GeneDx Variant Classification Process June 2021. Collection method: clinical testing. Allele origin: germline. Affected: yes.

Illumina Laboratory Services, Illumina
Classification: Uncertain significance for Cohen syndrome. Last evaluated: 2018-01-13. Review status: criteria provided, single submitter. Criteria: ICSL Variant Classification Criteria 13 December 2019. Collection method: clinical testing. Allele origin: germline.

Genetic Services Laboratory, University of Chicago
Classification: Likely benign. Last evaluated: 2017-04-14. Review status: criteria provided, single submitter. Criteria: ACMG Guidelines, 2015. Collection method: clinical testing. Allele origin: germline. Affected: no.

Ambry Genetics
Classification: Likely benign for Inborn genetic diseases. Last evaluated: 2016-11-17. Review status: criteria provided, single submitter. Criteria: Ambry Variant Classification Scheme 2023. Collection method: clinical testing. Allele origin: germline.

Eurofins Ntd Llc (ga)
Classification: Uncertain significance. Last evaluated: 2016-05-12. Review status: criteria provided, single submitter. Criteria: EGL Classification Definitions 2015. Collection method: clinical testing. Allele origin: germline. Observed: 2 variant alleles, 2 heterozygotes.

Natera, Inc.
Classification: Likely benign for Cohen syndrome. Last evaluated: 2020-09-16. Review status: no assertion criteria provided. Collection method: clinical testing. Allele origin: germline. Not counted in ClinVar's aggregate classification.

PreventionGenetics, part of Exact Sciences
Classification: Likely benign for VPS13B-related condition. Last evaluated: 2019-09-04. Review status: no assertion criteria provided. Collection method: clinical testing. Allele origin: germline. Not counted in ClinVar's aggregate classification.
Comment: This variant is classified as likely benign based on ACMG/AMP sequence variant interpretation guidelines (Richards et al. 2015 PMID: 25741868, with internal and published modifications).

Clinical Genetics DNA and cytogenetics Diagnostics Lab, Erasmus MC, Erasmus Medical Center
Classification: Likely benign. Review status: no assertion criteria provided. Collection method: clinical testing. Allele origin: germline. Affected: yes. Study: VKGL Data-share Consensus. Not counted in ClinVar's aggregate classification.

Clinical Genetics, Academic Medical Center
Classification: Benign. Review status: no assertion criteria provided. Collection method: clinical testing. Allele origin: germline. Affected: yes. Study: VKGL Data-share Consensus. Not counted in ClinVar's aggregate classification.

Genome Diagnostics Laboratory, Amsterdam University Medical Center
Classification: Likely benign. Review status: no assertion criteria provided. Collection method: clinical testing. Allele origin: germline. Affected: yes. Study: VKGL Data-share Consensus. Not counted in ClinVar's aggregate classification.